The following is an entry in ClinVar:

NM_000382.3(ALDH3A2):c.386-6A>G

Gene: ALDH3A2 (aldehyde dehydrogenase 3 family member A2; plus strand). Cytogenetic location: 17p11.2.
Variant type: single nucleotide variant.
Coding change: c.386-6A>G on transcript NM_000382.3 (MANE Select); 6 bases into the intron before coding-DNA position 386, A replaced by G.
Molecular consequence: intron variant.
Genome position (GRCh38, 1-based): chr17:19,652,541, A>G. VCF-style: chr17-19652541-A-G. GRCh37 (hg19) VCF-style: chr17-19555854-A-G.
Other names: c.-303-6A>G (NM_001369148.2); c.386-6A>G (NM_001369137.2, NM_001369138.2, NM_001369146.2 and 3 more transcripts).
Identifiers: ClinVar variation 322208 (VCV000322208.19), dbSNP rs117330764, ClinGen allele CA8442803.

ClinVar aggregate classification (germline): Benign/Likely benign. Review status: criteria provided, multiple submitters, no conflicts (2 of 4 stars). 6 submissions from 6 submitters: Benign (2); Likely benign (3). 1 of the submissions does not count toward it. Last evaluated 2026-02-04.

Conditions:
Sjögren-Larsson syndrome (SLS). Also called: FALDH DEFICIENCY; FATTY ALCOHOL:NAD+ OXIDOREDUCTASE DEFICIENCY; FATTY ALDEHYDE DEHYDROGENASE DEFICIENCY; ICHTHYOSIS, SPASTIC NEUROLOGIC DISORDER, AND OLIGOPHRENIA. Identifiers: Orphanet 816, MedGen C0037231, MONDO:0010031, OMIM 270200.

Allele frequency attached by ClinVar (database versions not stated): ExAC 0.01308; 1000 Genomes Project 0.02097; 1000 Genomes Project 30x 0.02171; TOPMed 0.02456; ESP Exome Variant Server 0.02499.

Submissions (6):

Labcorp Genetics (formerly Invitae), Labcorp
Classification: Benign. Last evaluated: 2026-02-04. Review status: criteria provided, single submitter. Criteria: Invitae Variant Classification Sherloc (09022015). Collection method: clinical testing. Allele origin: germline.

Genomic Medicine Center of Excellence, King Faisal Specialist Hospital and Research Centre
Classification: Likely benign. Last evaluated: 2025-08-18. Review status: criteria provided, single submitter. Criteria: ACMG Guidelines, 2015. Collection method: clinical testing. Allele origin: germline.

GeneDx
Classification: Benign. Last evaluated: 2021-05-25. Review status: criteria provided, single submitter. Criteria: GeneDx Variant Classification Process June 2021. Collection method: clinical testing. Allele origin: germline. Affected: yes.
Comment: This variant is associated with the following publications: (PMID: 17971613, 31388754)

Illumina Laboratory Services, Illumina
Classification: Likely benign for Sjögren-Larsson syndrome. Last evaluated: 2017-04-27. Review status: criteria provided, single submitter. Criteria: ICSL Variant Classification Criteria 13 December 2019. Collection method: clinical testing. Allele origin: germline.
Comment: This variant was observed as part of a predisposition screen in an ostensibly healthy population. A literature search was performed for the gene, cDNA change, and amino acid change (where applicable). Publications were found based on this search. The evidence from the literature, in combination with allele frequency data from public databases where available, was sufficient to determine this variant is unlikely to cause disease. Therefore, this variant is classified as likely benign.

Breakthrough Genomics
Classification: Likely benign. Review status: criteria provided, single submitter. Criteria: ACMG Guidelines, 2015. Collection method: not provided. Allele origin: germline. Inheritance: Autosomal recessive inheritance. Affected: yes.

Mayo Clinic Laboratories, Mayo Clinic
Classification: Benign. Last evaluated: 2016-02-24. Review status: no assertion criteria provided. Collection method: clinical testing. Allele origin: unknown. Not counted in ClinVar's aggregate classification.

Literature cited by the submitters: PubMed 17971613 (cited by Illumina Laboratory Services, Illumina).